The following is an entry in ClinVar:

NM_001243156.2(TAF1C):c.2259G>T (p.Glu753Asp)

Gene: TAF1C (TATA-box binding protein associated factor, RNA polymerase I subunit C; minus strand). Cytogenetic location: 16q24.1.
Variant type: single nucleotide variant.
Coding change: c.2259G>T on transcript NM_001243156.2 (MANE Select); coding-DNA position 2259, G replaced by T.
Protein change: p.Glu753Asp; replaces glutamic acid 753 with aspartic acid.
Molecular consequence: missense variant.
Genome position (GRCh38, 1-based): chr16:84,179,214, C>A on the plus strand (G>T on the coding strand, the complement: TAF1C is on the minus strand). VCF-style: chr16-84179214-C-A. GRCh37 (hg19) VCF-style: chr16-84212820-C-A.
Other names: c.2337G>T (NM_005679.3); c.1341G>T, p.Glu447Asp (NM_001243157.2, NM_001243158.2); c.1110G>T, p.Glu370Asp (NM_001243159.2); c.906G>T, p.Glu302Asp (NM_001243160.2); c.2337G>T, p.Glu779Asp (NM_005679.4); c.2055G>T, p.Glu685Asp (NM_139353.3); short protein forms E302D, E370D, E447D, E685D, E753D, E779D.
Identifiers: ClinVar variation 2646909 (VCV002646909.25), dbSNP rs754323144, ClinGen allele CA8203329.

ClinVar aggregate classification (germline): Likely benign. Review status: criteria provided, multiple submitters, no conflicts (2 of 4 stars). 2 submissions from 2 submitters: Likely benign (2). Last evaluated 2024-05-29.

Allele frequency attached by ClinVar (database versions not stated): TOPMed 0.00003; gnomAD 0.00007; ExAC 0.00012.

Submissions (2):

Ambry Genetics
Classification: Likely benign. Last evaluated: 2024-05-29. Review status: criteria provided, single submitter. Criteria: Ambry Variant Classification Scheme 2023. Collection method: clinical testing. Allele origin: germline.

CeGaT Center for Human Genetics Tuebingen
Classification: Likely benign. Last evaluated: 2022-10-01. Review status: criteria provided, single submitter. Criteria: CeGaT Center For Human Genetics Tuebingen Variant Classification Criteria Version 2. Collection method: clinical testing. Allele origin: germline. Affected: yes. Observed: 1 variant allele.
Comment: TAF1C: BP4